The following is an entry in ClinVar:

NM_000330.4(RS1):c.272G>C (p.Gly91Ala)

Genes: CDKL5 (cyclin dependent kinase like 5; plus strand), RS1 (retinoschisin 1; minus strand). Cytogenetic location: Xp22.13.
Variant type: single nucleotide variant.
Coding change: c.272G>C on transcript NM_000330.4 (MANE Select); coding-DNA position 272, G replaced by C.
Protein change: p.Gly91Ala; replaces glycine 91 with alanine.
Molecular consequence: missense variant. On other transcripts: intron variant (2).
Genome position (GRCh38, 1-based): chrX:18,647,245, C>G on the plus strand (G>C on the coding strand, the complement: RS1 is on the minus strand). VCF-style: chrX-18647245-C-G. GRCh37 (hg19) VCF-style: chrX-18665365-C-G.
Other names: c.2797+1155C>G (NM_003159.3, NM_001037343.2); short protein forms G91A.
Identifiers: ClinVar variation 1394638 (VCV001394638.6), dbSNP rs373612815, ClinGen allele CA10360707.

ClinVar aggregate classification (germline): Uncertain significance (1 of 4 stars; one submission).

Allele frequency attached by ClinVar (database versions not stated): ExAC 0.00001; ESP Exome Variant Server 0.00009.
gnomAD v4.1: 1 of 1,210,830 alleles (0.000083%); highest among the groups gnomAD compares: Non-Finnish European, 0.00011%; no homozygotes.

Submission:

Labcorp Genetics (formerly Invitae), Labcorp
Classification: Uncertain significance. Last evaluated: 2023-08-10. Review status: criteria provided, single submitter. Criteria: Invitae Variant Classification Sherloc (09022015). Collection method: clinical testing. Allele origin: germline.
Comment: This sequence change replaces glycine, which is neutral and non-polar, with alanine, which is neutral and non-polar, at codon 91 of the RS1 protein (p.Gly91Ala). This variant is present in population databases (rs373612815, gnomAD 0.008%). This variant has not been reported in the literature in individuals affected with RS1-related conditions. ClinVar contains an entry for this variant (Variation ID: 1394638). Advanced modeling of protein sequence and biophysical properties (such as structural, functional, and spatial information, amino acid conservation, physicochemical variation, residue mobility, and thermodynamic stability) has been performed at Invitae for this missense variant, however the output from this modeling did not meet the statistical confidence thresholds required to predict the impact of this variant on RS1 protein function. This variant disrupts the p.Gly91 amino acid residue in RS1. Other variant(s) that disrupt this residue have been determined to be pathogenic (PMID: 34624300). This suggests that this residue is clinically significant, and that variants that disrupt this residue are likely to be disease-causing. In summary, the available evidence is currently insufficient to determine the role of this variant in disease. Therefore, it has been classified as a Variant of Uncertain Significance.

Literature cited by the submitters: PubMed 34624300.